The following is an entry in ClinVar:

ClinVar aggregate classification (germline): Uncertain significance (1 of 4 stars; one submission).

Conditions:
Inborn genetic diseases. Identifiers: MedGen C0950123, MeSH D030342.

Submission:

Ambry Genetics
Classification: Uncertain significance for Inborn genetic diseases. Last evaluated: 2026-03-31. Review status: criteria provided, single submitter. Criteria: Ambry Variant Classification Scheme 2023. Collection method: clinical testing. Allele origin: germline.
Comment: The p.N401K variant (also known as c.1203T>G), located in coding exon 1 of the SAMD9 gene, results from a T to G substitution at nucleotide position 1203. The asparagine at codon 401 is replaced by lysine, an amino acid with similar properties. This amino acid position is conserved. In addition, this alteration is predicted to be tolerated by in silico analysis. Based on the available evidence, the clinical significance of this variant remains unclear.

NM_017654.4(SAMD9):c.1203T>G (p.Asn401Lys)

Gene: SAMD9 (sterile alpha motif domain containing 9; minus strand). Cytogenetic location: 7q21.2.
Variant type: single nucleotide variant.
Coding change: c.1203T>G on transcript NM_017654.4 (MANE Select); coding-DNA position 1203, T replaced by G.
Protein change: p.Asn401Lys; replaces asparagine 401 with lysine.
Molecular consequence: missense variant.
Genome position (GRCh38, 1-based): chr7:93,104,895, A>C on the plus strand (T>G on the coding strand, the complement: SAMD9 is on the minus strand). VCF-style: chr7-93104895-A-C. GRCh37 (hg19) VCF-style: chr7-92734208-A-C.
Other names: c.1203T>G, p.Asn401Lys (NM_001193307.2); short protein forms N401K.
Identifiers: ClinVar variation 4863790 (VCV004863790.1).